The following is an entry in ClinVar:

NM_014003.4(DHX38):c.553G>C (p.Asp185His)

Gene: DHX38 (DEAH-box helicase 38; plus strand). Cytogenetic location: 16q22.2.
Variant type: single nucleotide variant.
Coding change: c.553G>C on transcript NM_014003.4 (MANE Select); coding-DNA position 553, G replaced by C.
Protein change: p.Asp185His; replaces aspartic acid 185 with histidine.
Molecular consequence: missense variant.
Genome position (GRCh38, 1-based): chr16:72,097,718, G>C. VCF-style: chr16-72097718-G-C. GRCh37 (hg19) VCF-style: chr16-72131617-G-C.
Other names: short protein forms D185H.
Identifiers: ClinVar variation 1034561 (VCV001034561.8), dbSNP rs771446107, ClinGen allele CA8160011.

ClinVar aggregate classification (germline): Uncertain significance. Review status: criteria provided, multiple submitters, no conflicts (2 of 4 stars). 2 submissions from 2 submitters: Uncertain significance (2). Last evaluated 2024-11-04.

Allele frequency attached by ClinVar (database versions not stated): gnomAD 0.00001 and 0.00003; TOPMed 0.00003; gnomAD exomes 0.00005 and 0.00009; ExAC 0.00008.
gnomAD v4.1: 71 of 1,614,012 alleles (0.0044%); highest among the groups gnomAD compares: South Asian, 0.042%; no homozygotes.

Submissions (2):

Blueprint Genetics
Classification: Uncertain significance. Last evaluated: 2024-11-04. Review status: criteria provided, single submitter. Criteria: ACMG Guidelines, 2015. Collection method: clinical testing. Allele origin: germline.

Labcorp Genetics (formerly Invitae), Labcorp
Classification: Uncertain significance. Last evaluated: 2022-07-13. Review status: criteria provided, single submitter. Criteria: Invitae Variant Classification Sherloc (09022015). Collection method: clinical testing. Allele origin: germline.
Comment: This sequence change replaces aspartic acid, which is acidic and polar, with histidine, which is basic and polar, at codon 185 of the DHX38 protein (p.Asp185His). This variant is present in population databases (rs771446107, gnomAD 0.04%). This variant has not been reported in the literature in individuals affected with DHX38-related conditions. ClinVar contains an entry for this variant (Variation ID: 1034561). Algorithms developed to predict the effect of missense changes on protein structure and function are either unavailable or do not agree on the potential impact of this missense change (SIFT: "Deleterious"; PolyPhen-2: "Benign"; Align-GVGD: "Class C65"). In summary, the available evidence is currently insufficient to determine the role of this variant in disease. Therefore, it has been classified as a Variant of Uncertain Significance.